The following is an entry in ClinVar:

ClinVar aggregate classification (germline): Uncertain significance (1 of 4 stars; one submission).

Conditions:
Nemaline myopathy 9 (NEM9). Identifiers: MedGen C3810384, MONDO:0014326, OMIM 615731.

gnomAD v4.1: 4 of 1,614,048 alleles (0.00025%); highest among the groups gnomAD compares: Non-Finnish European, 0.00034%; no homozygotes.

Submission:

Labcorp Genetics (formerly Invitae), Labcorp
Classification: Uncertain significance for Nemaline myopathy 9. Last evaluated: 2022-01-14. Review status: criteria provided, single submitter. Criteria: Invitae Variant Classification Sherloc (09022015). Collection method: clinical testing. Allele origin: germline.
Comment: This sequence change replaces glutamine, which is neutral and polar, with histidine, which is basic and polar, at codon 554 of the KLHL41 protein (p.Gln554His). In summary, the available evidence is currently insufficient to determine the role of this variant in disease. Therefore, it has been classified as a Variant of Uncertain Significance. Algorithms developed to predict the effect of missense changes on protein structure and function are either unavailable or do not agree on the potential impact of this missense change (SIFT: "Deleterious"; PolyPhen-2: "Benign"; Align-GVGD: "Class C0"). This variant has not been reported in the literature in individuals affected with KLHL41-related conditions. This variant is not present in population databases (gnomAD no frequency).

NM_006063.3(KLHL41):c.1662A>T (p.Gln554His)

Gene: KLHL41 (kelch like family member 41; plus strand). Cytogenetic location: 2q31.1.
Variant type: single nucleotide variant.
Coding change: c.1662A>T on transcript NM_006063.3 (MANE Select); coding-DNA position 1662, A replaced by T.
Protein change: p.Gln554His; replaces glutamine 554 with histidine.
Molecular consequence: missense variant.
Genome position (GRCh38, 1-based): chr2:169,520,960, A>T. VCF-style: chr2-169520960-A-T. GRCh37 (hg19) VCF-style: chr2-170377470-A-T.
Other names: short protein forms Q554H.
Identifiers: ClinVar variation 1484951 (VCV001484951.8), dbSNP rs747439201, ClinGen allele CA59948292.
Genomic context (GRCh38, chr2:169,520,960, plus strand): 5'-CATCAGTTTGGTCAGCCTGGCTGGATCTCTGTATGCAATTGGTGGTTTTGCTATGATTCA[A>T]CTGGAGTCTAAAGAATTTGCACCCACTGAAGTCAATGACATATGGAAGTAAGTTCTCATC-3'
Protein context (NP_006054.2, residues 544-564): LYAIGGFAMI[Gln554His]LESKEFAPTE